The following is an entry in ClinVar:

NM_001128840.3(CACNA1D):c.1895A>C (p.His632Pro)

Gene: CACNA1D (calcium voltage-gated channel subunit alpha1 D; plus strand). Cytogenetic location: 3p21.1.
Variant type: single nucleotide variant.
Coding change: c.1895A>C on transcript NM_001128840.3 (MANE Select); coding-DNA position 1895, A replaced by C.
Protein change: p.His632Pro; replaces histidine 632 with proline.
Molecular consequence: missense variant.
Genome position (GRCh38, 1-based): chr3:53,723,794, A>C. VCF-style: chr3-53723794-A-C. GRCh37 (hg19) VCF-style: chr3-53757821-A-C.
Other names: c.1955A>C, p.His652Pro (NM_000720.4); c.1895A>C, p.His632Pro (NM_001128839.3); short protein forms H632P, H652P.
Identifiers: ClinVar variation 3651972 (VCV003651972.2).

ClinVar aggregate classification (germline): Uncertain significance (1 of 4 stars; one submission).

Submission:

Labcorp Genetics (formerly Invitae), Labcorp
Classification: Uncertain significance. Last evaluated: 2024-05-08. Review status: criteria provided, single submitter. Criteria: Invitae Variant Classification Sherloc (09022015). Collection method: clinical testing. Allele origin: germline.
Comment: This sequence change replaces histidine, which is basic and polar, with proline, which is neutral and non-polar, at codon 652 of the CACNA1D protein (p.His652Pro). This variant is not present in population databases (gnomAD no frequency). This variant has not been reported in the literature in individuals affected with CACNA1D-related conditions. An algorithm developed to predict the effect of missense changes on protein structure and function (PolyPhen-2) suggests that this variant is likely to be disruptive. In summary, the available evidence is currently insufficient to determine the role of this variant in disease. Therefore, it has been classified as a Variant of Uncertain Significance.